The following is an entry in ClinVar:

NM_021728.4(OTX2):c.385G>A (p.Val129Met)

Gene: OTX2 (orthodenticle homeobox 2; minus strand). Cytogenetic location: 14q22.3.
Variant type: single nucleotide variant.
Coding change: c.385G>A on transcript NM_021728.4 (MANE Select); coding-DNA position 385, G replaced by A.
Protein change: p.Val129Met; replaces valine 129 with methionine.
Molecular consequence: missense variant. On other transcripts: non-coding transcript variant (2).
Genome position (GRCh38, 1-based): chr14:56,802,244, C>T on the plus strand (G>A on the coding strand, the complement: OTX2 is on the minus strand). VCF-style: chr14-56802244-C-T. GRCh37 (hg19) VCF-style: chr14-57268962-C-T.
Other names: c.361G>A, p.Val121Met (NM_001270523.2, NM_001270524.2, NM_172337.3); c.385G>A, p.Val129Met (NM_001270525.2); short protein forms V129M, V121M.
Identifiers: ClinVar variation 1388740 (VCV001388740.6), dbSNP rs1294096975, ClinGen allele CA390051969.

ClinVar aggregate classification (germline): Uncertain significance (1 of 4 stars; one submission).

Conditions:
Anophthalmia-microphthalmia syndrome. Also called: Anophthalmia - microphthalmia; Anophthalmia/Microphthalmia. Identifiers: Orphanet 98555, MedGen C5680330, MONDO:0020147.

Submission:

Labcorp Genetics (formerly Invitae), Labcorp
Classification: Uncertain significance for Anophthalmia-microphthalmia syndrome. Last evaluated: 2022-02-23. Review status: criteria provided, single submitter. Criteria: Invitae Variant Classification Sherloc (09022015). Collection method: clinical testing. Allele origin: germline.
Comment: In summary, the available evidence is currently insufficient to determine the role of this variant in disease. Therefore, it has been classified as a Variant of Uncertain Significance. Algorithms developed to predict the effect of missense changes on protein structure and function are either unavailable or do not agree on the potential impact of this missense change (SIFT: "Deleterious"; PolyPhen-2: "Benign"; Align-GVGD: "Class C15"). This variant has not been reported in the literature in individuals affected with OTX2-related conditions. This variant is not present in population databases (gnomAD no frequency). This sequence change replaces valine, which is neutral and non-polar, with methionine, which is neutral and non-polar, at codon 121 of the OTX2 protein (p.Val121Met).